The following is an entry in ClinVar:

ClinVar aggregate classification (germline): Uncertain significance. Review status: criteria provided, multiple submitters, no conflicts (2 of 4 stars). 3 submissions from 3 submitters: Uncertain significance (3). Last evaluated 2025-11-25.

Conditions:
Epidermolysis bullosa simplex 5C, with pyloric atresia (EBS5C). Also called: PLEC-Related Epidermolysis Bullosa with Pyloric Atresia; Epidermolysis bullosa simplex with pyloric atresia; PLEC1-Related Epidermolysis Bullosa with Pyloric Atresia. Identifiers: Orphanet 158684, MedGen C2677349, MONDO:0012807, OMIM 612138.
Autosomal recessive limb-girdle muscular dystrophy type 2Q (LGMDR17). Also called: MUSCULAR DYSTROPHY, LIMB-GIRDLE, AUTOSOMAL RECESSIVE 17. Identifiers: Orphanet 254361, MedGen C3150989, MONDO:0013390, OMIM 613723.
Epidermolysis bullosa simplex 5B, with muscular dystrophy (EBS5B). Also called: Epidermolysis bullosa simplex with muscular dystrophy; EPIDERMOLYSIS BULLOSA SIMPLEX AND LIMB-GIRDLE MUSCULAR DYSTROPHY. Identifiers: Orphanet 257, MedGen C2931072, MONDO:0009181, OMIM 226670.
Epidermolysis bullosa simplex, Ogna type (EBS5A). Also called: Pidermolysis bullosa simplex 5A, Ogna type; EPIDERMOLYSIS BULLOSA SIMPLEX 5A, OGNA TYPE. Identifiers: Orphanet 79401, MedGen C0432317, MONDO:0007555, OMIM 131950.
Epidermolysis bullosa simplex with nail dystrophy (EBS5D). Identifiers: MedGen C4225309, MONDO:0014661, OMIM 616487.
Inborn genetic diseases. Identifiers: MedGen C0950123, MeSH D030342.

Allele frequency attached by ClinVar (database versions not stated): ExAC below 0.00001; gnomAD 0.00001; gnomAD exomes 0.00003 and 0.00010; TOPMed 0.00004.
gnomAD v4.1: 40 of 1,534,272 alleles (0.0026%); highest among the groups gnomAD compares: Admixed American, 0.026%; no homozygotes.

Submissions (3):

Labcorp Genetics (formerly Invitae), Labcorp
Classification: Uncertain significance for Autosomal recessive limb-girdle muscular dystrophy type 2Q; Epidermolysis bullosa simplex, Ogna type; Epidermolysis bullosa simplex with nail dystrophy; Epidermolysis bullosa simplex 5C, with pyloric atresia; Epidermolysis bullosa simplex 5B, with muscular dystrophy. Last evaluated: 2025-11-25. Review status: criteria provided, single submitter. Criteria: Invitae Variant Classification Sherloc (09022015). Collection method: clinical testing. Allele origin: germline.
Comment: This sequence change replaces arginine, which is basic and polar, with tryptophan, which is neutral and slightly polar, at codon 1765 of the PLEC protein (p.Arg1765Trp). This variant is present in population databases (rs782696997, gnomAD 0.05%). This variant has not been reported in the literature in individuals affected with PLEC-related conditions. ClinVar contains an entry for this variant (Variation ID: 521142). Experimental studies and prediction algorithms are not available or were not evaluated, and the functional significance of this variant is currently unknown. In summary, the available evidence is currently insufficient to determine the role of this variant in disease. Therefore, it has been classified as a Variant of Uncertain Significance.

Revvity Omics, Revvity
Classification: Uncertain significance. Last evaluated: 2024-05-15. Review status: criteria provided, single submitter. Criteria: ACMG Guidelines, 2015. Collection method: clinical testing. Allele origin: germline.

Ambry Genetics
Classification: Uncertain significance for Inborn genetic diseases. Last evaluated: 2016-06-06. Review status: criteria provided, single submitter. Criteria: Ambry exome assertion method (8-5-2015). Collection method: clinical testing. Allele origin: germline. Affected: yes. Observed: 1 variant allele.

NM_201384.3(PLEC):c.5212C>T (p.Arg1738Trp)

Gene: PLEC (plectin; minus strand). Cytogenetic location: 8q24.3.
Variant type: single nucleotide variant.
Coding change: c.5212C>T on transcript NM_201384.3 (MANE Select); coding-DNA position 5212, C replaced by T.
Protein change: p.Arg1738Trp; replaces arginine 1738 with tryptophan.
Molecular consequence: missense variant.
Genome position (GRCh38, 1-based): chr8:143,924,717, G>A on the plus strand (C>T on the coding strand, the complement: PLEC is on the minus strand). VCF-style: chr8-143924717-G-A. GRCh37 (hg19) VCF-style: chr8-144998885-G-A.
Other names: c.5293C>T, p.Arg1765Trp (NM_000445.5); c.5170C>T, p.Arg1724Trp (NM_201378.4); c.5146C>T, p.Arg1716Trp (NM_201379.3); c.5623C>T, p.Arg1875Trp (NM_201380.4); c.5116C>T, p.Arg1706Trp (NM_201381.3); c.5212C>T, p.Arg1738Trp (NM_201382.4); c.5224C>T, p.Arg1742Trp (NM_201383.3); short protein forms R1706W, R1716W, R1724W, R1738W, R1742W, R1765W, R1875W.
Identifiers: ClinVar variation 521142 (VCV000521142.12), dbSNP rs782696997, ClinGen allele CA4926402.